The following is an entry in ClinVar:

ClinVar aggregate classification (germline): Benign (1 of 4 stars; one submission).

Allele frequency attached by ClinVar (database versions not stated): 1000 Genomes Project 0.12720; 1000 Genomes Project 30x 0.13023; TOPMed 0.23274; gnomAD 0.23892 and 0.24392.
gnomAD v4.1: 36,433 of 152,126 alleles (24%); highest among the groups gnomAD compares: Non-Finnish European, 37%; 5,838 homozygotes.

Submission:

GeneDx
Classification: Benign. Last evaluated: 2018-06-14. Review status: criteria provided, single submitter. Criteria: GeneDx Variant Classification (06012015). Collection method: clinical testing. Allele origin: germline. Affected: yes.
Comment: This variant is considered likely benign or benign based on one or more of the following criteria: it is a conservative change, it occurs at a poorly conserved position in the protein, it is predicted to be benign by multiple in silico algorithms, and/or has population frequency not consistent with disease.

NM_000069.3(CACNA1S):c.1233-293C>T

Gene: CACNA1S (calcium voltage-gated channel subunit alpha1 S; minus strand). Cytogenetic location: 1q32.1.
Variant type: single nucleotide variant.
Coding change: c.1233-293C>T on transcript NM_000069.3 (MANE Select); 293 bases into the intron before coding-DNA position 1233, C replaced by T.
Molecular consequence: intron variant.
Genome position (GRCh38, 1-based): chr1:201,083,615, G>A on the plus strand (C>T on the coding strand, the complement: CACNA1S is on the minus strand). VCF-style: chr1-201083615-G-A. GRCh37 (hg19) VCF-style: chr1-201052743-G-A.
Identifiers: ClinVar variation 670725 (VCV000670725.1), dbSNP rs12743376, ClinGen allele CA10697330.